The following is an entry in ClinVar:

ClinVar aggregate classification (germline): Likely benign. Review status: criteria provided, single submitter (1 of 4 stars). 2 submissions from 2 submitters: Likely benign (1). 1 of the submissions does not count toward it. Last evaluated 2024-12-17.

Conditions:
DISP1-related disorder. Also called: DISP1-related condition.

Allele frequency attached by ClinVar (database versions not stated): ExAC 0.00005; gnomAD exomes 0.00005 and 0.00009; 1000 Genomes Project 30x 0.00016; gnomAD 0.00016 and 0.00017; 1000 Genomes Project 0.00020; TOPMed 0.00020.
gnomAD v4.1: 160 of 1,612,750 alleles (0.0099%); highest among the groups gnomAD compares: African/African-American, 0.029%; no homozygotes.

Submissions (2):

Labcorp Genetics (formerly Invitae), Labcorp
Classification: Likely benign. Last evaluated: 2024-12-17. Review status: criteria provided, single submitter. Criteria: Invitae Variant Classification Sherloc (09022015). Collection method: clinical testing. Allele origin: germline.

PreventionGenetics, part of Exact Sciences
Classification: Likely benign for DISP1-related condition. Last evaluated: 2019-02-21. Review status: no assertion criteria provided. Collection method: clinical testing. Allele origin: germline. Not counted in ClinVar's aggregate classification.
Comment: This variant is classified as likely benign based on ACMG/AMP sequence variant interpretation guidelines (Richards et al. 2015 PMID: 25741868, with internal and published modifications).

NM_001377229.1(DISP1):c.879C>T (p.Cys293=)

Gene: DISP1 (dispatched RND transporter family member 1; plus strand). Cytogenetic location: 1q41.
Variant type: single nucleotide variant.
Coding change: c.879C>T on transcript NM_001377229.1 (MANE Select); coding-DNA position 879, C replaced by T.
Protein change: p.Cys293=; no amino-acid change (cysteine 293 retained).
Molecular consequence: synonymous variant.
Genome position (GRCh38, 1-based): chr1:222,992,100, C>T. VCF-style: chr1-222992100-C-T. GRCh37 (hg19) VCF-style: chr1-223165442-C-T.
Other names: c.150C>T, p.Cys50= (NM_001350630.2); c.879C>T, p.Cys293= (NM_001369594.1, NM_001377228.1, NM_032890.5).
Identifiers: ClinVar variation 766497 (VCV000766497.8), dbSNP rs373716306, ClinGen allele CA1408933.